The following is an entry in ClinVar:

ClinVar aggregate classification (germline): Uncertain significance (1 of 4 stars; one submission).

Conditions:
Epilepsy, X-linked 1, with variable learning disabilities and behavior disorders. Also called: X-linked epilepsy-learning disabilities-behavior disorders syndrome. Identifiers: Orphanet 85294, MedGen C5774177, MONDO:0010339, OMIM 300491.

gnomAD v4.1: 2 of 1,095,773 alleles (0.00018%); highest among the groups gnomAD compares: Non-Finnish European, 0.00024%; no homozygotes.

Submission:

Labcorp Genetics (formerly Invitae), Labcorp
Classification: Uncertain significance for Epilepsy, X-linked 1, with variable learning disabilities and behavior disorders. Last evaluated: 2022-08-15. Review status: criteria provided, single submitter. Criteria: Invitae Variant Classification Sherloc (09022015). Collection method: clinical testing. Allele origin: germline.
Comment: In summary, the available evidence is currently insufficient to determine the role of this variant in disease. Therefore, it has been classified as a Variant of Uncertain Significance. Algorithms developed to predict the effect of missense changes on protein structure and function are either unavailable or do not agree on the potential impact of this missense change (SIFT: "Deleterious"; PolyPhen-2: "Not Available"; Align-GVGD: "Class C0"). ClinVar contains an entry for this variant (Variation ID: 1474042). This variant has not been reported in the literature in individuals affected with SYN1-related conditions. This variant is not present in population databases (gnomAD no frequency). This sequence change replaces proline, which is neutral and non-polar, with arginine, which is basic and polar, at codon 561 of the SYN1 protein (p.Pro561Arg).

NM_006950.3(SYN1):c.1682C>G (p.Pro561Arg)

Gene: SYN1 (synapsin I; minus strand). Cytogenetic location: Xp11.3.
Variant type: single nucleotide variant.
Coding change: c.1682C>G on transcript NM_006950.3 (MANE Select); coding-DNA position 1682, C replaced by G.
Protein change: p.Pro561Arg; replaces proline 561 with arginine.
Molecular consequence: missense variant.
Genome position (GRCh38, 1-based): chrX:47,574,302, G>C on the plus strand (C>G on the coding strand, the complement: SYN1 is on the minus strand). VCF-style: chrX-47574302-G-C. GRCh37 (hg19) VCF-style: chrX-47433701-G-C.
Other names: c.1682C>G, p.Pro561Arg (NM_133499.2); short protein forms P561R.
Identifiers: ClinVar variation 1474042 (VCV001474042.6), dbSNP rs2147912162, ClinGen allele CA412822906.